The following is an entry in ClinVar:

NM_004959.5(NR5A1):c.705G>A (p.Pro235=)

Gene: NR5A1 (nuclear receptor subfamily 5 group A member 1; minus strand). Cytogenetic location: 9q33.3.
Variant type: single nucleotide variant.
Coding change: c.705G>A on transcript NM_004959.5 (MANE Select); coding-DNA position 705, G replaced by A.
Protein change: p.Pro235=; no amino-acid change (proline 235 retained).
Molecular consequence: synonymous variant.
Genome position (GRCh38, 1-based): chr9:124,500,255, C>T on the plus strand (G>A on the coding strand, the complement: NR5A1 is on the minus strand). VCF-style: chr9-124500255-C-T. GRCh37 (hg19) VCF-style: chr9-127262534-C-T.
Other names: c.705G>A (NM_004959.4).
Identifiers: ClinVar variation 2499104 (VCV002499104.33), dbSNP rs747337135, ClinGen allele CA5235416.

ClinVar aggregate classification (germline): Likely benign. Review status: criteria provided, multiple submitters, no conflicts (2 of 4 stars). 4 submissions from 4 submitters: Likely benign (3). 1 of the submissions does not count toward it. Last evaluated 2024-01-15.

Conditions:
NR5A1-related disorder. Also called: NR5A1-related condition.
46 XY differences of sex development. Also called: 46, XY disorder of sex development (DSD); 46,XY disorder of sex development. Identifiers: Orphanet 98085, MedGen C2751824, MONDO:0020040.
Oligosynaptic infertility (SPGF1). Also called: SPERMATOGENIC FAILURE 1; OLIGOCHIASMATIC INFERTILITY. Identifiers: MedGen C0403810, MONDO:0009776, OMIM 258150.

Allele frequency attached by ClinVar (database versions not stated): TOPMed 0.00003; ExAC 0.00006; gnomAD 0.00007.
gnomAD v4.1: 25 of 1,596,064 alleles (0.0016%); highest among the groups gnomAD compares: African/African-American, 0.0067%; no homozygotes.

Submissions (4):

Labcorp Genetics (formerly Invitae), Labcorp
Classification: Likely benign for 46 XY differences of sex development; Oligosynaptic infertility. Last evaluated: 2024-01-15. Review status: criteria provided, single submitter. Criteria: Invitae Variant Classification Sherloc (09022015). Collection method: clinical testing. Allele origin: germline.

CeGaT Center for Human Genetics Tuebingen
Classification: Likely benign. Last evaluated: 2023-02-01. Review status: criteria provided, single submitter. Criteria: CeGaT Center For Human Genetics Tuebingen Variant Classification Criteria Version 2. Collection method: clinical testing. Allele origin: germline. Affected: yes. Observed: 1 variant allele.
Comment: NR5A1: BP4, BP7

Blueprint Genetics
Classification: Likely benign. Last evaluated: 2019-11-07. Review status: criteria provided, single submitter. Criteria: ACMG Guidelines, 2015. Collection method: clinical testing. Allele origin: germline.

PreventionGenetics, part of Exact Sciences
Classification: Likely benign for NR5A1-related condition. Last evaluated: 2019-04-15. Review status: no assertion criteria provided. Collection method: clinical testing. Allele origin: germline. Not counted in ClinVar's aggregate classification.
Comment: This variant is classified as likely benign based on ACMG/AMP sequence variant interpretation guidelines (Richards et al. 2015 PMID: 25741868, with internal and published modifications).